The following is an entry in ClinVar:

ClinVar aggregate classification (germline): Uncertain significance (1 of 4 stars; one submission).

Conditions:
Fanconi anemia (FA). Also called: Fanconi's anemia. Identifiers: Orphanet 84, MedGen C0015625, MeSH D005199, MONDO:0019391.

Allele frequency attached by ClinVar (database versions not stated): gnomAD exomes below 0.00001.
gnomAD v4.1: 1 of 1,613,432 alleles (0.000062%); highest among the groups gnomAD compares: Non-Finnish European, 0.000085%; no homozygotes.

Submission:

Labcorp Genetics (formerly Invitae), Labcorp
Classification: Uncertain significance for Fanconi anemia. Last evaluated: 2022-07-11. Review status: criteria provided, single submitter. Criteria: Invitae Variant Classification Sherloc (09022015). Collection method: clinical testing. Allele origin: germline.
Comment: This sequence change falls in intron 18 of the FANCA gene. It does not directly change the encoded amino acid sequence of the FANCA protein. It affects a nucleotide within the consensus splice site. This variant is not present in population databases (gnomAD no frequency). This variant has not been reported in the literature in individuals affected with FANCA-related conditions. Variants that disrupt the consensus splice site are a relatively common cause of aberrant splicing (PMID: 17576681, 9536098). Algorithms developed to predict the effect of sequence changes on RNA splicing suggest that this variant is not likely to affect RNA splicing. In summary, the available evidence is currently insufficient to determine the role of this variant in disease. Therefore, it has been classified as a Variant of Uncertain Significance.

Literature cited by the submitters: PubMed 17576681; PubMed 9536098.

NM_000135.4(FANCA):c.1715+4G>A

Gene: FANCA (FA complementation group A; minus strand). Cytogenetic location: 16q24.3.
Variant type: single nucleotide variant.
Coding change: c.1715+4G>A on transcript NM_000135.4 (MANE Select); 4 bases into the intron after coding-DNA position 1715, G replaced by A.
Molecular consequence: intron variant.
Genome position (GRCh38, 1-based): chr16:89,779,865, C>T on the plus strand (G>A on the coding strand, the complement: FANCA is on the minus strand). VCF-style: chr16-89779865-C-T. GRCh37 (hg19) VCF-style: chr16-89846273-C-T.
Other names: c.1715+4G>A (NM_001286167.3).
Identifiers: ClinVar variation 2151714 (VCV002151714.1), dbSNP rs2143432094, ClinGen allele CA2580092338.